The following is an entry in ClinVar:

ClinVar aggregate classification (germline): Uncertain significance (1 of 4 stars; one submission).

Conditions:
Nance-Horan syndrome (NHS). Identifiers: Orphanet 627, MedGen C0796085, MONDO:0010545, OMIM 302350.

Submission:

Labcorp Genetics (formerly Invitae), Labcorp
Classification: Uncertain significance for Nance-Horan syndrome. Last evaluated: 2023-12-11. Review status: criteria provided, single submitter. Criteria: Invitae Variant Classification Sherloc (09022015). Collection method: clinical testing. Allele origin: germline.
Comment: This sequence change replaces aspartic acid, which is acidic and polar, with tyrosine, which is neutral and polar, at codon 246 of the NHS protein (p.Asp246Tyr). This variant is not present in population databases (gnomAD no frequency). This variant has not been reported in the literature in individuals affected with NHS-related conditions. Advanced modeling of protein sequence and biophysical properties (such as structural, functional, and spatial information, amino acid conservation, physicochemical variation, residue mobility, and thermodynamic stability) performed at Invitae indicates that this missense variant is not expected to disrupt NHS protein function with a negative predictive value of 80%. In summary, the available evidence is currently insufficient to determine the role of this variant in disease. Therefore, it has been classified as a Variant of Uncertain Significance.

NM_001291867.2(NHS):c.736G>T (p.Asp246Tyr)

Gene: NHS (NHS actin remodeling regulator; plus strand). Cytogenetic location: Xp22.13.
Variant type: single nucleotide variant.
Coding change: c.736G>T on transcript NM_001291867.2 (MANE Select); coding-DNA position 736, G replaced by T.
Protein change: p.Asp246Tyr; replaces aspartic acid 246 with tyrosine.
Molecular consequence: missense variant.
Genome position (GRCh38, 1-based): chrX:17,692,352, G>T. VCF-style: chrX-17692352-G-T. GRCh37 (hg19) VCF-style: chrX-17710472-G-T.
Other names: c.205G>T, p.Asp69Tyr (NM_001136024.4, NM_001291868.2); c.736G>T, p.Asp246Tyr (NM_198270.4); short protein forms D246Y, D69Y.
Identifiers: ClinVar variation 3001419 (VCV003001419.3), dbSNP rs1234042645, ClinGen allele CA412326852.